The following is an entry in ClinVar:

ClinVar aggregate classification (germline): Pathogenic (1 of 4 stars; one submission).

Conditions:
Duchenne muscular dystrophy (DMD). Also called: Duchenne Muscular Dystrophy (DMD); MUSCULAR DYSTROPHY, PSEUDOHYPERTROPHIC PROGRESSIVE, DUCHENNE TYPE. Identifiers: Orphanet 98896, MedGen C0013264, MONDO:0010679, OMIM 310200.

Submission:

Labcorp Genetics (formerly Invitae), Labcorp
Classification: Pathogenic for Duchenne muscular dystrophy. Last evaluated: 2019-01-20. Review status: criteria provided, single submitter. Criteria: Invitae Variant Classification Sherloc (09022015). Collection method: clinical testing. Allele origin: germline.
Comment: For these reasons, this variant has been classified as Pathogenic. Loss-of-function variants in DMD are known to be pathogenic (PMID: 16770791, 25007885). This variant has not been reported in the literature in individuals with DMD-related conditions. This variant is not present in population databases (ExAC no frequency). This sequence change creates a premature translational stop signal (p.Leu84Cysfs*8) in the DMD gene. It is expected to result in an absent or disrupted protein product.

Literature cited by the submitters: PubMed 16770791; PubMed 25007885.

NM_004006.3(DMD):c.251del (p.Leu84fs)

Gene: DMD (dystrophin; minus strand). Cytogenetic location: Xp21.1.
Variant type: Deletion.
Coding change: c.251del on transcript NM_004006.3 (MANE Select); coding-DNA position 251, one base deleted (T; older notation c.251delT).
Protein change: p.Leu84fs; shifts the reading frame from leucine 84.
Molecular consequence: frameshift variant. On other transcripts: 5 prime UTR variant (1).
Genome position (GRCh38, 1-based): chrX:32,844,796, A deleted on the plus strand (T on the coding strand, the reverse complement: DMD is on the minus strand); the first of 4 consecutive A bases (chrX:32,844,796-32,844,799); deleting any one gives the same sequence. VCF-style (leftmost placement, unchanged base first): chrX-32844795-CA-C. GRCh37 (hg19) VCF-style: chrX-32862912-CA-C.
Other names: c.227del, p.Leu76fs (NM_000109.4); c.239del, p.Leu80fs (NM_004009.3); c.-119del (NM_004010.3); c.251delT (NM_004006.2); short protein forms L80fs, L76fs, L84fs.
Identifiers: ClinVar variation 94518 (VCV000094518.8), dbSNP rs398123893, ClinGen allele CA266945.
Genomic context (GRCh38, chrX:32,844,795, plus strand): 5'-AAGCATGCTGTGTCACAGCATCCAGACCTTGTCCAGGGTACTACTTACATTATTGTTCTG[CA>C]AAACCCGCAGTGCCTTGTTGACATTGTTCAGGGCATGAACTCTTGTGGATCCTTTTTCTT-3'